The following is an entry in ClinVar:

ClinVar aggregate classification (germline): Uncertain significance (1 of 4 stars; one submission).

Conditions:
Candidiasis, familial, 9 (CANDF9). Identifiers: Orphanet 1334, MedGen C4225324, MONDO:0014642, OMIM 616445.

Submission:

Labcorp Genetics (formerly Invitae), Labcorp
Classification: Uncertain significance for Candidiasis, familial, 9. Last evaluated: 2024-03-15. Review status: criteria provided, single submitter. Criteria: Invitae Variant Classification Sherloc (09022015). Collection method: clinical testing. Allele origin: germline.
Comment: This sequence change replaces proline, which is neutral and non-polar, with serine, which is neutral and polar, at codon 348 of the IL17RC protein (p.Pro348Ser). This variant is not present in population databases (gnomAD no frequency). This variant has not been reported in the literature in individuals affected with IL17RC-related conditions. Algorithms developed to predict the effect of missense changes on protein structure and function output the following: SIFT: "Not Available"; PolyPhen-2: "Benign"; Align-GVGD: "Not Available". The serine amino acid residue is found in multiple mammalian species, which suggests that this missense change does not adversely affect protein function. In summary, the available evidence is currently insufficient to determine the role of this variant in disease. Therefore, it has been classified as a Variant of Uncertain Significance.

NM_153460.4(IL17RC):c.829C>T (p.Pro277Ser)

Gene: IL17RC (interleukin 17 receptor C; plus strand). Cytogenetic location: 3p25.3.
Variant type: single nucleotide variant.
Coding change: c.829C>T on transcript NM_153460.4 (MANE Select); coding-DNA position 829, C replaced by T.
Protein change: p.Pro277Ser; replaces proline 277 with serine.
Molecular consequence: missense variant. On other transcripts: non-coding transcript variant (1).
Genome position (GRCh38, 1-based): chr3:9,928,172, C>T. VCF-style: chr3-9928172-C-T. GRCh37 (hg19) VCF-style: chr3-9969856-C-T.
Other names: c.784C>T, p.Pro262Ser (NM_001367280.1, NM_001410711.1, NM_032732.6 and 1 more transcripts); c.1042C>T, p.Pro348Ser (NM_153461.4); c.829C>T, p.Pro277Ser (NM_001203263.2, NM_001203264.2); c.790C>T, p.Pro264Ser (NM_001367278.1); c.709C>T, p.Pro237Ser (NM_001367279.1); short protein forms P264S, P348S, P277S, P237S, P262S.
Identifiers: ClinVar variation 3678821 (VCV003678821.2).